The following is an entry in ClinVar:

NM_024642.5(GALNT12):c.548T>C (p.Leu183Pro)

Gene: GALNT12 (polypeptide N-acetylgalactosaminyltransferase 12; plus strand). Cytogenetic location: 9q22.33.
Variant type: single nucleotide variant.
Coding change: c.548T>C on transcript NM_024642.5 (MANE Select); coding-DNA position 548, T replaced by C.
Protein change: p.Leu183Pro; replaces leucine 183 with proline.
Molecular consequence: missense variant.
Genome position (GRCh38, 1-based): chr9:98,826,758, T>C. VCF-style: chr9-98826758-T-C. GRCh37 (hg19) VCF-style: chr9-101589040-T-C.
Other names: short protein forms L183P.
Identifiers: ClinVar variation 1747851 (VCV001747851.2), dbSNP rs2490501275, ClinGen allele CA374217253.

ClinVar aggregate classification (germline): Uncertain significance (1 of 4 stars; one submission).

Submission:

Ambry Genetics
Classification: Uncertain significance. Last evaluated: 2020-01-07. Review status: criteria provided, single submitter. Criteria: Ambry Variant Classification Scheme 2023. Collection method: clinical testing. Allele origin: germline.
Comment: The p.L183P variant (also known as c.548T>C), located in coding exon 3 of the GALNT12 gene, results from a T to C substitution at nucleotide position 548. The leucine at codon 183 is replaced by proline, an amino acid with similar properties. This amino acid position is highly conserved in available vertebrate species. In addition, this alteration is predicted to be deleterious by in silico analysis. Since supporting evidence is limited at this time, the clinical significance of this alteration remains unclear.